The following is an entry in ClinVar:

ClinVar aggregate classification (germline): Likely benign. Review status: criteria provided, multiple submitters, no conflicts (2 of 4 stars). 4 submissions from 4 submitters: Likely benign (3). 1 of the submissions does not count toward it. Last evaluated 2026-01-26.

Conditions:
NLRP1-related disorder. Also called: NLRP1-related condition.

Allele frequency attached by ClinVar (database versions not stated): gnomAD exomes 0.00013 and 0.00039; ExAC 0.00053; gnomAD 0.00149 and 0.00158; TOPMed 0.00163; 1000 Genomes Project 0.00260; 1000 Genomes Project 30x 0.00328.
gnomAD v4.1: 422 of 1,614,130 alleles (0.026%); highest among the groups gnomAD compares: African/African-American, 0.48%; no homozygotes.

Submissions (4):

Labcorp Genetics (formerly Invitae), Labcorp
Classification: Likely benign. Last evaluated: 2026-01-26. Review status: criteria provided, single submitter. Criteria: Invitae Variant Classification Sherloc (09022015). Collection method: clinical testing. Allele origin: germline.

Blueprint Genetics
Classification: Likely benign. Last evaluated: 2024-08-28. Review status: criteria provided, single submitter. Criteria: ACMG Guidelines, 2015. Collection method: clinical testing. Allele origin: germline.

Breakthrough Genomics
Classification: Likely benign. Review status: criteria provided, single submitter. Criteria: ACMG Guidelines, 2015. Collection method: not provided. Allele origin: germline. Inheritance: Autosomal recessive inheritance. Affected: yes.

PreventionGenetics, part of Exact Sciences
Classification: Likely benign for NLRP1-related condition. Last evaluated: 2023-09-21. Review status: no assertion criteria provided. Collection method: clinical testing. Allele origin: germline. Not counted in ClinVar's aggregate classification.
Comment: This variant is classified as likely benign based on ACMG/AMP sequence variant interpretation guidelines (Richards et al. 2015 PMID: 25741868, with internal and published modifications).

NM_033004.4(NLRP1):c.1163G>A (p.Gly388Glu)

Gene: NLRP1 (NLR family pyrin domain containing 1; minus strand). Cytogenetic location: 17p13.2.
Variant type: single nucleotide variant.
Coding change: c.1163G>A on transcript NM_033004.4 (MANE Select); coding-DNA position 1163, G replaced by A.
Protein change: p.Gly388Glu; replaces glycine 388 with glutamic acid.
Molecular consequence: missense variant.
Genome position (GRCh38, 1-based): chr17:5,559,533, C>T on the plus strand (G>A on the coding strand, the complement: NLRP1 is on the minus strand). VCF-style: chr17-5559533-C-T. GRCh37 (hg19) VCF-style: chr17-5462853-C-T.
Other names: c.1163G>A, p.Gly388Glu (NM_001033053.3, NM_014922.5, NM_033006.4 and 1 more transcripts); short protein forms G388E.
Identifiers: ClinVar variation 735639 (VCV000735639.13), dbSNP rs200474943, ClinGen allele CA8327419.